The following is an entry in ClinVar:

NM_031229.4(RBCK1):c.1129_1130delinsCT (p.Lys377Leu)

Gene: RBCK1 (RANBP2-type and C3HC4-type zinc finger containing 1; plus strand). Cytogenetic location: 20p13.
Variant type: Indel.
Coding change: c.1129_1130delinsCT on transcript NM_031229.4 (MANE Select); coding-DNA positions 1129 to 1130, AA replaced by CT.
Protein change: p.Lys377Leu; replaces lysine 377 with leucine.
Molecular consequence: missense variant. On other transcripts: non-coding transcript variant (1).
Genome position (GRCh38, 1-based): chr20:427,412-427,413, AA replaced by CT. VCF-style: chr20-427412-AA-CT. GRCh37 (hg19) VCF-style: chr20-408056-AA-CT.
Other names: c.619_620delinsCT, p.Lys207Leu (NM_001323956.2, NM_001323958.2); c.1180_1181delAAinsCT, p.Lys394Leu (NM_001410770.1); c.1003_1004delinsCT, p.Lys335Leu (NM_006462.6); short protein forms K335L, K394L, K377L, K207L.
Identifiers: ClinVar variation 2008510 (VCV002008510.4), dbSNP rs2514546123, ClinGen allele CA2580097954.

ClinVar aggregate classification (germline): Uncertain significance (1 of 4 stars; one submission).

Conditions:
Polyglucosan body myopathy type 1 (PGBM1). Also called: POLYGLUCOSAN BODY MYOPATHY WITHOUT IMMUNODEFICIENCY; Polyglucosan body myopathy 1 with or without immunodeficiency. Identifiers: Orphanet 329173, Orphanet 397937, MedGen C4014605, MONDO:0014389, OMIM 615895.

Submission:

Labcorp Genetics (formerly Invitae), Labcorp
Classification: Uncertain significance for Polyglucosan body myopathy type 1. Last evaluated: 2022-06-19. Review status: criteria provided, single submitter. Criteria: Invitae Variant Classification Sherloc (09022015). Collection method: clinical testing. Allele origin: germline.
Comment: This variant has not been reported in the literature in individuals affected with RBCK1-related conditions. Algorithms developed to predict the effect of missense changes on protein structure and function are either unavailable or do not agree on the potential impact of this missense change (SIFT: "Not Available"; PolyPhen-2: "Benign"; Align-GVGD: "Not Available"). In summary, the available evidence is currently insufficient to determine the role of this variant in disease. Therefore, it has been classified as a Variant of Uncertain Significance. Information on the frequency of this variant in the gnomAD database is not available, as this variant may be reported differently in the database. This sequence change replaces lysine, which is basic and polar, with leucine, which is neutral and non-polar, at codon 377 of the RBCK1 protein (p.Lys377Leu).